The following is an entry in ClinVar:

NM_001083962.2(TCF4):c.1966_1969dup (p.Pro657fs)

Gene: TCF4 (transcription factor 4; minus strand). Cytogenetic location: 18q21.2.
Variant type: Microsatellite.
Coding change: c.1966_1969dup on transcript NM_001083962.2 (MANE Select); coding-DNA positions 1966 to 1969, 4 bases duplicated (GGCC; older notation c.1966_1969dupGGCC).
Protein change: p.Pro657fs; shifts the reading frame from proline 657.
Molecular consequence: frameshift variant.
Genome position (GRCh38, 1-based): chr18:55,228,272-55,228,275, GGCC duplicated on the plus strand (GGCC on the coding strand, the reverse complement: TCF4 is on the minus strand); duplicating any 4 consecutive bases within chr18:55,228,272-55,228,279 gives the same sequence; the c. name uses the placement nearest the transcript's 3' end. VCF-style (leftmost placement, unchanged base first): chr18-55228271-G-GGGCC. GRCh37 (hg19) VCF-style: chr18-52895502-G-GGGCC.
Other names: c.2272_2275dup, p.Pro759fs (NM_001243226.3); c.1894_1897dup, p.Pro633fs (NM_001243227.2, NM_001348217.1, NM_001348218.2 and 1 more transcripts); c.1984_1987dup, p.Pro663fs (NM_001243228.2); c.1945_1948dup, p.Pro650fs (NM_001243230.2); c.1828_1831dup, p.Pro611fs (NM_001243231.2); c.1753_1756dup, p.Pro586fs (NM_001243232.1); c.1564_1567dup, p.Pro523fs (NM_001243233.2, NM_001348212.2); c.1486_1489dup, p.Pro497fs (NM_001243234.2, NM_001348216.2); and 14 more; short protein forms P615fs, P633fs, P652fs, P656fs, P629fs, P632fs, P650fs, P493fs.
Identifiers: ClinVar variation 207544 (VCV000207544.1), dbSNP rs796053428, ClinGen allele CA319120.

ClinVar aggregate classification (germline): Pathogenic (1 of 4 stars; one submission).

Submission:

GeneDx
Classification: Pathogenic. Last evaluated: 2014-01-22. Review status: criteria provided, single submitter. Criteria: GeneDx Variant Classification (06012015). Collection method: clinical testing. Allele origin: germline. Affected: yes.
Comment: The c.1966_1969dupGGCC mutation causes a frameshift starting with codon Proline 657, changes this amino acid to an Arginine residue, elongates the reading frame by 54 amino acid residues, and creates an aberrant Stop codon at position 55 of the new reading frame, denoted p.Pro657ArgfsX55. This mutation is predicted to cause loss of normal protein function through an aberrant protein product and subsequent proteasomal degradation (Sepp et al., 2012). The c.1966_1969dupGGCC mutation was not observed in approximately 6,500 individuals of European and African American ancestry in the NHLBI Exome Sequencing Project, indicating it is not a common benign variant in these populations. Furthermore, mutations with similar effect to the gene's open reading frame have been described in patients with Pitt-Hopkins syndrome (Zweier et al., 2008; Taddeucci et al., 2010; Sepp et al., 2012). Therefore, we interpret c.1966_1969dupGGCC as a disease-causing mutation. The variant is found in TCF4 panel(s).